The following is an entry in ClinVar:

ClinVar aggregate classification (germline): Likely pathogenic. Review status: criteria provided, single submitter (1 of 4 stars). 2 submissions from 2 submitters: Likely pathogenic (1). 1 of the submissions does not count toward it. Last evaluated 2025-08-28.

Conditions:
MPZ-related disorder. Also called: MPZ-related disorders; MPZ-related condition.
Charcot-Marie-Tooth disease. Also called: Charcot-Marie-Tooth Neuropathy; Charcot-Marie-Tooth Hereditary Neuropathy. Identifiers: Orphanet 166, MedGen C0007959, MONDO:0015626.

Submissions (2):

3billion
Classification: Likely pathogenic for MPZ-related disorder. Last evaluated: 2025-08-28. Review status: criteria provided, single submitter. Criteria: ACMG Guidelines, 2015. Collection method: clinical testing. Allele origin: germline. Affected: yes.
Comment: The variant is not observed in the gnomAD v4.1.0 dataset. Predicted Consequence/Location: Missense variant In silico tool predictions suggest damaging effect of the variant on gene or gene product [3Cnet: 0.99 (> 0.75, sensitivity 0.96 and precision 0.92)]. The same nucleotide change resulting in the same amino acid change has been previously reported to be associated with MPZ-related disorder (PMID: 22018721). Different missense changes at the same codon (p.Ile135Arg, p.Ile135Leu, p.Ile135Thr) have been reported as pathogenic/likely pathogenic with strong evidence (ClinVar ID: VCV000014172, VCV000243089, VCV000861910 /PMID: 30340945, 8664899, 8797476 /3billion dataset). Therefore, this variant is classified as Likely pathogenic according to the recommendation of ACMG/AMP guideline.

Inherited Neuropathy Consortium
Classification: Uncertain significance for Charcot-Marie-Tooth disease. Review status: no assertion criteria provided. Collection method: literature only. Allele origin: germline. Affected: yes. Not counted in ClinVar's aggregate classification.

Literature cited by the submitters: PubMed 30340945 (cited by 3billion); PubMed 22018721 (cited by 3billion and Inherited Neuropathy Consortium).

NM_000530.8(MPZ):c.405A>G (p.Ile135Met)

Gene: MPZ (myelin protein zero; minus strand). Cytogenetic location: 1q23.3.
Variant type: single nucleotide variant.
Coding change: c.405A>G on transcript NM_000530.8 (MANE Select); coding-DNA position 405, A replaced by G.
Protein change: p.Ile135Met; replaces isoleucine 135 with methionine.
Molecular consequence: missense variant.
Genome position (GRCh38, 1-based): chr1:161,306,751, T>C on the plus strand (A>G on the coding strand, the complement: MPZ is on the minus strand). VCF-style: chr1-161306751-T-C. GRCh37 (hg19) VCF-style: chr1-161276541-T-C.
Other names: c.405A>G (LRG_256t1); c.405A>G, p.Ile135Met (NM_001315491.2); short protein forms I135M.
Identifiers: ClinVar variation 637778 (VCV000637778.2), dbSNP rs1571818752, ClinGen allele CA343348620.
Genomic context (GRCh38, chr1:161,306,751, plus strand): 5'-CCCATCCCTTCTCACACCTTTTTCAAAGACATACAGCGTGACCTGAGAGGTCTTGCCCAC[T>C]ATGTCTGGAGGGTTTTTGACGTCACAAGTGAACGTGCCATTGTCACTGTAGTCTAGGTTG-3'
Protein context (NP_000521.2, residues 125-145): FTCDVKNPPD[Ile135Met]VGKTSQVTLY